The following is an entry in ClinVar:

ClinVar aggregate classification (germline): Uncertain significance (1 of 4 stars; one submission).

Submission:

Labcorp Genetics (formerly Invitae), Labcorp
Classification: Uncertain significance. Last evaluated: 2023-03-08. Review status: criteria provided, single submitter. Criteria: Invitae Variant Classification Sherloc (09022015). Collection method: clinical testing. Allele origin: germline.
Comment: In summary, the available evidence is currently insufficient to determine the role of this variant in disease. Therefore, it has been classified as a Variant of Uncertain Significance. Advanced modeling of protein sequence and biophysical properties (such as structural, functional, and spatial information, amino acid conservation, physicochemical variation, residue mobility, and thermodynamic stability) performed at Invitae indicates that this missense variant is not expected to disrupt COL4A2 protein function. This variant has not been reported in the literature in individuals affected with COL4A2-related conditions. This variant is not present in population databases (gnomAD no frequency). This sequence change replaces valine, which is neutral and non-polar, with methionine, which is neutral and non-polar, at codon 35 of the COL4A2 protein (p.Val35Met).

NM_001846.4(COL4A2):c.103G>A (p.Val35Met)

Gene: COL4A2 (collagen type IV alpha 2 chain; plus strand). Cytogenetic location: 13q34.
Variant type: single nucleotide variant.
Coding change: c.103G>A on transcript NM_001846.4 (MANE Select); coding-DNA position 103, G replaced by A.
Protein change: p.Val35Met; replaces valine 35 with methionine.
Molecular consequence: missense variant.
Genome position (GRCh38, 1-based): chr13:110,357,475, G>A. VCF-style: chr13-110357475-G-A. GRCh37 (hg19) VCF-style: chr13-111009822-G-A.
Other names: short protein forms V35M.
Identifiers: ClinVar variation 2971888 (VCV002971888.3), dbSNP rs2501942700, ClinGen allele CA388730259.